The following is an entry in ClinVar:

ClinVar aggregate classification (germline): Benign/Likely benign. Review status: criteria provided, multiple submitters, no conflicts (2 of 4 stars). 4 submissions from 4 submitters: Benign (1); Likely benign (3). Last evaluated 2025-06-25.

Conditions:
Hereditary cancer-predisposing syndrome. Also called: Hereditary Cancer Syndrome; Neoplastic Syndromes, Hereditary; Tumor predisposition; Hereditary neoplastic syndrome. Identifiers: Orphanet 140162, MedGen C0027672, MeSH D009386, MONDO:0015356.
Familial cancer of breast. Also called: BREAST CANCER, FAMILIAL; Hereditary breast cancer; hereditary breast carcinoma. Identifiers: Orphanet 227535, MedGen C0346153, MONDO:0016419, OMIM 114480. Disease mechanism: loss of function.
Ataxia-telangiectasia syndrome (AT). Also called: Ataxia-telangiectasia, complementation group D; AT, COMPLEMENTATION GROUP C; ATAXIA-TELANGIECTASIA, COMPLEMENTATION GROUP A; ATAXIA-TELANGIECTASIA, FRESNO VARIANT; Ataxia-telangiectasia; LOUIS-BAR SYNDROME. Identifiers: Orphanet 100, MedGen C0004135, MONDO:0008840, OMIM 208900.

Submissions (4):

Labcorp Genetics (formerly Invitae), Labcorp
Classification: Likely benign for Ataxia-telangiectasia syndrome. Last evaluated: 2025-06-25. Review status: criteria provided, single submitter. Criteria: Invitae Variant Classification Sherloc (09022015). Collection method: clinical testing. Allele origin: germline.

Myriad Genetics, Inc.
Classification: Benign for Familial cancer of breast. Last evaluated: 2024-05-13. Review status: criteria provided, single submitter. Criteria: Myriad Autosomal Dominant, Autosomal Recessive and X-Linked Classification Criteria (2023). Collection method: clinical testing. Allele origin: unknown.
Comment: This variant is considered benign. This variant is a silent/synonymous amino acid change and it is not expected to impact splicing.

Color Diagnostics, LLC DBA Color Health
Classification: Likely benign for Hereditary cancer-predisposing syndrome. Last evaluated: 2018-08-14. Review status: criteria provided, single submitter. Criteria: ACMG Guidelines, 2015. Collection method: clinical testing. Allele origin: germline.

Ambry Genetics
Classification: Likely benign for Hereditary cancer-predisposing syndrome. Last evaluated: 2014-12-12. Review status: criteria provided, single submitter. Criteria: Ambry Variant Classification Scheme 2023. Collection method: clinical testing. Allele origin: germline.

NM_000051.4(ATM):c.3048A>G (p.Gly1016=)

Gene: ATM (ATM serine/threonine kinase; plus strand). Cytogenetic location: 11q22.3.
Variant type: single nucleotide variant.
Coding change: c.3048A>G on transcript NM_000051.4 (MANE Select); coding-DNA position 3048, A replaced by G.
Protein change: p.Gly1016=; no amino-acid change (glycine 1016 retained).
Molecular consequence: synonymous variant.
Genome position (GRCh38, 1-based): chr11:108,271,377, A>G. VCF-style: chr11-108271377-A-G. GRCh37 (hg19) VCF-style: chr11-108142104-A-G.
Other names: c.3048A>G, p.Gly1016= (NM_001351834.2).
Identifiers: ClinVar variation 187555 (VCV000187555.19), dbSNP rs786203820, ClinGen allele CA197941.